The following is an entry in ClinVar:

ClinVar aggregate classification (germline): Uncertain significance (1 of 4 stars; one submission).

Conditions:
Episodic ataxia type 2 (EA2). Also called: CEREBELLAR ATAXIA, PAROXYSMAL, ACETAZOLAMIDE-RESPONSIVE; CEREBELLOPATHY, HEREDITARY PAROXYSMAL; EPISODIC ATAXIA, NYSTAGMUS-ASSOCIATED; ACETAZOLAMIDE-RESPONSIVE HEREDITARY PAROXYSMAL CEREBELLAR ATAXIA; ATAXIA, EPISODIC, WITH NYSTAGMUS; ATAXIA, FAMILIAL PAROXYSMAL. Identifiers: Orphanet 97, MedGen C1720416, MONDO:0007163, OMIM 108500.
Developmental and epileptic encephalopathy, 42 (DEE42A). Also called: Epileptic encephalopathy, early infantile, 42; DEVELOPMENTAL AND EPILEPTIC ENCEPHALOPATHY 42A; EPILEPTIC ENCEPHALOPATHY, EARLY INFANTILE, 42A. Identifiers: MedGen C4310716, MONDO:0014917, OMIM 617106.

Allele frequency attached by ClinVar (database versions not stated): gnomAD 0.00001; TOPMed 0.00002.
gnomAD v4.1: 1 of 1,613,806 alleles (0.000062%); highest among the groups gnomAD compares: African/African-American, 0.0013%; no homozygotes.

Submission:

Labcorp Genetics (formerly Invitae), Labcorp
Classification: Uncertain significance for Developmental and epileptic encephalopathy, 42; Episodic ataxia type 2. Last evaluated: 2025-04-08. Review status: criteria provided, single submitter. Criteria: Invitae Variant Classification Sherloc (09022015). Collection method: clinical testing. Allele origin: germline.
Comment: This sequence change replaces serine, which is neutral and polar, with asparagine, which is neutral and polar, at codon 2079 of the CACNA1A protein (p.Ser2079Asn). This variant is not present in population databases (gnomAD no frequency). This variant has not been reported in the literature in individuals affected with CACNA1A-related conditions. ClinVar contains an entry for this variant (Variation ID: 2932883). Invitae Evidence Modeling of protein sequence and biophysical properties (such as structural, functional, and spatial information, amino acid conservation, physicochemical variation, residue mobility, and thermodynamic stability) indicates that this missense variant is not expected to disrupt CACNA1A protein function with a negative predictive value of 95%. In summary, the available evidence is currently insufficient to determine the role of this variant in disease. Therefore, it has been classified as a Variant of Uncertain Significance.

NM_001127222.2(CACNA1A):c.6233G>A (p.Ser2078Asn)

Gene: CACNA1A (calcium voltage-gated channel subunit alpha1 A; minus strand). Cytogenetic location: 19p13.13.
Variant type: single nucleotide variant.
Coding change: c.6233G>A on transcript NM_001127222.2 (MANE Select); coding-DNA position 6233, G replaced by A.
Protein change: p.Ser2078Asn; replaces serine 2078 with asparagine.
Molecular consequence: missense variant.
Genome position (GRCh38, 1-based): chr19:13,212,173, C>T on the plus strand (G>A on the coding strand, the complement: CACNA1A is on the minus strand). VCF-style: chr19-13212173-C-T. GRCh37 (hg19) VCF-style: chr19-13322987-C-T.
Other names: c.6251G>A, p.Ser2084Asn (NM_000068.4, NM_023035.3); c.6236G>A, p.Ser2079Asn (NM_001127221.2); c.6242G>A, p.Ser2081Asn (NM_001174080.2); short protein forms S2078N, S2081N, S2084N, S2079N.
Identifiers: ClinVar variation 2932883 (VCV002932883.3), dbSNP rs1487856310, ClinGen allele CA404332374.